The following is an entry in ClinVar:

ClinVar aggregate classification (germline): Uncertain significance. Review status: criteria provided, multiple submitters, no conflicts (2 of 4 stars). 3 submissions from 3 submitters: Uncertain significance (3). Last evaluated 2026-01-17.

Conditions:
Primary ciliary dyskinesia 15. Also called: CILIARY DYSKINESIA, PRIMARY, 15, WITH OR WITHOUT SITUS INVERSUS. Identifiers: Orphanet 244, MedGen C3151137, MONDO:0013435, OMIM 613808.
Primary ciliary dyskinesia. Also called: Ciliary dyskinesia. Identifiers: Orphanet 244, MedGen C0008780, MONDO:0016575, HP:0012265.

Allele frequency attached by ClinVar (database versions not stated): TOPMed below 0.00001; gnomAD 0.00002 and 0.00003; gnomAD exomes 0.00003 and 0.00005; ExAC 0.00005; 1000 Genomes Project 30x 0.00016; 1000 Genomes Project 0.00020.
gnomAD v4.1: 45 of 1,613,990 alleles (0.0028%); highest among the groups gnomAD compares: Middle Eastern, 0.016%; no homozygotes.

Submissions (3):

Labcorp Genetics (formerly Invitae), Labcorp
Classification: Uncertain significance for Primary ciliary dyskinesia. Last evaluated: 2026-01-17. Review status: criteria provided, single submitter. Criteria: Invitae Variant Classification Sherloc (09022015). Collection method: clinical testing. Allele origin: germline.
Comment: This sequence change replaces arginine, which is basic and polar, with glutamine, which is neutral and polar, at codon 321 of the CCDC40 protein (p.Arg321Gln). This variant is present in population databases (rs114740534, gnomAD 0.01%). This variant has not been reported in the literature in individuals affected with CCDC40-related conditions. ClinVar contains an entry for this variant (Variation ID: 1487085). Invitae Evidence Modeling of protein sequence and biophysical properties (such as structural, functional, and spatial information, amino acid conservation, physicochemical variation, residue mobility, and thermodynamic stability) indicates that this missense variant is not expected to disrupt CCDC40 protein function with a negative predictive value of 80%. In summary, the available evidence is currently insufficient to determine the role of this variant in disease. Therefore, it has been classified as a Variant of Uncertain Significance.

Ambry Genetics
Classification: Uncertain significance for Primary ciliary dyskinesia. Last evaluated: 2025-08-14. Review status: criteria provided, single submitter. Criteria: Ambry Variant Classification Scheme 2023. Collection method: clinical testing. Allele origin: germline.

Fulgent Genetics
Classification: Uncertain significance for Primary ciliary dyskinesia 15. Last evaluated: 2021-10-12. Review status: criteria provided, single submitter. Criteria: ACMG Guidelines, 2015. Collection method: clinical testing. Allele origin: unknown.

NM_017950.4(CCDC40):c.962G>A (p.Arg321Gln)

Gene: CCDC40 (coiled-coil domain 40 molecular ruler complex subunit; plus strand). Cytogenetic location: 17q25.3.
Variant type: single nucleotide variant.
Coding change: c.962G>A on transcript NM_017950.4 (MANE Select); coding-DNA position 962, G replaced by A.
Protein change: p.Arg321Gln; replaces arginine 321 with glutamine.
Molecular consequence: missense variant.
Genome position (GRCh38, 1-based): chr17:80,050,086, G>A. VCF-style: chr17-80050086-G-A. GRCh37 (hg19) VCF-style: chr17-78023885-G-A.
Other names: c.962G>A, p.Arg321Gln (NM_001243342.2, NM_001330508.2); c.962G>A (NM_017950.3); short protein forms R321Q.
Identifiers: ClinVar variation 1487085 (VCV001487085.20), dbSNP rs114740534, ClinGen allele CA8813635.
Genomic context (GRCh38, chr17:80,050,086, plus strand): 5'-CCTGCGTCCTGGTGACCCTGTTTCTCTCTTTGGTCCAGGTTGTGGCTACCAAGCAGAGCC[G>A]AGCCCAGCGGCAGGAGCTGGGGGTGAATCTCTATGAGGTGCAGCAGCACCTGGTACACCT-3'
Protein context (NP_060420.2, residues 311-331): QELVVATKQS[Arg321Gln]AQRQELGVNL